The following is an entry in ClinVar:

ClinVar aggregate classification (germline): Uncertain significance. Review status: criteria provided, multiple submitters, no conflicts (2 of 4 stars). 2 submissions from 2 submitters: Uncertain significance (2). Last evaluated 2023-12-07.

Allele frequency attached by ClinVar (database versions not stated): gnomAD exomes below 0.00001 and 0.00001; gnomAD 0.00001; ExAC 0.00002.
gnomAD v4.1: 7 of 1,613,964 alleles (0.00043%); highest among the groups gnomAD compares: Non-Finnish European, 0.00059%; no homozygotes.

Submissions (2):

Labcorp Genetics (formerly Invitae), Labcorp
Classification: Uncertain significance. Last evaluated: 2023-12-07. Review status: criteria provided, single submitter. Criteria: Invitae Variant Classification Sherloc (09022015). Collection method: clinical testing. Allele origin: germline.
Comment: This sequence change falls in intron 13 of the CDH3 gene. It does not directly change the encoded amino acid sequence of the CDH3 protein. This variant is present in population databases (rs771535286, gnomAD 0.0009%). This variant has not been reported in the literature in individuals affected with CDH3-related conditions. ClinVar contains an entry for this variant (Variation ID: 194365). Algorithms developed to predict the effect of sequence changes on RNA splicing suggest that this variant may disrupt the consensus splice site. In summary, the available evidence is currently insufficient to determine the role of this variant in disease. Therefore, it has been classified as a Variant of Uncertain Significance.

Eurofins Ntd Llc (ga)
Classification: Uncertain significance. Last evaluated: 2014-11-10. Review status: criteria provided, single submitter. Criteria: EGL Classification Definitions 2015. Collection method: clinical testing. Allele origin: germline. Observed: 1 variant allele, 1 heterozygote.

NM_001793.6(CDH3):c.2003-10A>G

Gene: CDH3 (cadherin 3; plus strand). Cytogenetic location: 16q22.1.
Variant type: single nucleotide variant.
Coding change: c.2003-10A>G on transcript NM_001793.6 (MANE Select); 10 bases into the intron before coding-DNA position 2003, A replaced by G.
Molecular consequence: intron variant.
Genome position (GRCh38, 1-based): chr16:68,695,245, A>G. VCF-style: chr16-68695245-A-G. GRCh37 (hg19) VCF-style: chr16-68729148-A-G.
Other names: c.1838-10A>G (NM_001317196.2); c.2003-10A>G (NM_001317195.3).
Identifiers: ClinVar variation 194365 (VCV000194365.12), dbSNP rs771535286, ClinGen allele CA240291.